The following is an entry in ClinVar:

NM_005251.3(FOXC2):c.108C>T (p.Ser36=)

Genes: FOXC2-AS1 (FOXC2 antisense RNA 1; minus strand), FOXC2 (forkhead box C2; plus strand). Cytogenetic location: 16q24.1.
Variant type: single nucleotide variant.
Coding change: c.108C>T on transcript NM_005251.3 (MANE Select); coding-DNA position 108, C replaced by T.
Protein change: p.Ser36=; no amino-acid change (serine 36 retained).
Molecular consequence: synonymous variant.
Genome position (GRCh38, 1-based): chr16:86,567,443, C>T. VCF-style: chr16-86567443-C-T. GRCh37 (hg19) VCF-style: chr16-86601049-C-T.
Identifiers: ClinVar variation 259691 (VCV000259691.45), dbSNP rs138318843, ClinGen allele CA8218260.
Genomic context (GRCh38, chr16:86,567,443, plus strand): 5'-GCCCTACCTGAGCGAGCAGAATTACTACCGGGCTGCGGGCAGCTACGGCGGCATGGCCAG[C>T]CCCATGGGCGTCTATTCCGGCCACCCGGAGCAGTACAGCGCGGGGATGGGCCGCTCCTAC-3'
Protein context (NP_005242.1, residues 26-46): RAAGSYGGMA[Ser36=]PMGVYSGHPE

ClinVar aggregate classification (germline): Benign/Likely benign. Review status: criteria provided, multiple submitters, no conflicts (2 of 4 stars). 6 submissions from 6 submitters: Benign (4); Likely benign (2). Last evaluated 2026-04-01.

Allele frequency attached by ClinVar (database versions not stated): ESP Exome Variant Server 0.00785; 1000 Genomes Project 0.00300; 1000 Genomes Project 30x 0.00312; gnomAD 0.00629 and 0.00653; gnomAD exomes 0.00678; TOPMed 0.00726; ExAC 0.00732.
gnomAD v4.1: 12,771 of 1,613,278 alleles (0.79%); highest among the groups gnomAD compares: Middle Eastern, 2.6%; 72 homozygotes.

Submissions (6):

CeGaT Center for Human Genetics Tuebingen
Classification: Likely benign. Last evaluated: 2026-04-01. Review status: criteria provided, single submitter. Criteria: CeGaT Center For Human Genetics Tuebingen Variant Classification Criteria Version 2. Collection method: clinical testing. Allele origin: germline. Affected: yes. Observed: 4 variant alleles.
Comment: FOXC2: BP4, BP7, BS2

Labcorp Genetics (formerly Invitae), Labcorp
Classification: Benign. Last evaluated: 2026-01-27. Review status: criteria provided, single submitter. Criteria: Invitae Variant Classification Sherloc (09022015). Collection method: clinical testing. Allele origin: germline.

ARUP Laboratories, Molecular Genetics and Genomics, ARUP Laboratories
Classification: Benign. Last evaluated: 2024-12-18. Review status: criteria provided, single submitter. Criteria: ARUP Molecular Germline Variant Investigation Process 2024. Collection method: clinical testing. Allele origin: germline.

Blueprint Genetics
Classification: Likely benign. Last evaluated: 2024-11-23. Review status: criteria provided, single submitter. Criteria: ACMG Guidelines, 2015. Collection method: clinical testing. Allele origin: germline.

Breakthrough Genomics
Classification: Benign. Review status: criteria provided, single submitter. Criteria: ACMG Guidelines, 2015. Collection method: not provided. Allele origin: germline. Inheritance: Autosomal dominant inheritance. Affected: yes.

PreventionGenetics, part of Exact Sciences
Classification: Benign. Review status: criteria provided, single submitter. Criteria: ACMG Guidelines, 2015. Collection method: clinical testing. Allele origin: germline.